The following is an entry in ClinVar:

ClinVar aggregate classification (germline): Uncertain significance. Review status: criteria provided, single submitter (1 of 4 stars). 2 submissions from 2 submitters: Uncertain significance (1). 1 of the submissions does not count toward it. Last evaluated 2021-07-28.

Conditions:
Neuronal ceroid lipofuscinosis 2. Also called: TPP1-Related Neuronal Ceroid-Lipofuscinosis; JANSKY-BIELSCHOWSKY DISEASE NEURONAL CEROID LIPOFUSCINOSIS, LATE INFANTILE. Identifiers: Orphanet 168491, Orphanet 228349, Orphanet 79264, MedGen C1876161, MONDO:0008769, OMIM 204500.

Allele frequency attached by ClinVar (database versions not stated): gnomAD exomes below 0.00001.

Submissions (2):

Labcorp Genetics (formerly Invitae), Labcorp
Classification: Uncertain significance. Last evaluated: 2021-07-28. Review status: criteria provided, single submitter. Criteria: Invitae Variant Classification Sherloc (09022015). Collection method: clinical testing. Allele origin: germline.
Comment: In summary, the available evidence is currently insufficient to determine the role of this variant in disease. Therefore, it has been classified as a Variant of Uncertain Significance. Advanced modeling of protein sequence and biophysical properties (such as structural, functional, and spatial information, amino acid conservation, physicochemical variation, residue mobility, and thermodynamic stability) performed at Invitae indicates that this missense variant is expected to disrupt TPP1 protein function. This variant has not been reported in the literature in individuals affected with TPP1-related conditions. This variant is not present in population databases (ExAC no frequency). This sequence change replaces phenylalanine with isoleucine at codon 356 of the TPP1 protein (p.Phe356Ile). The phenylalanine residue is highly conserved and there is a small physicochemical difference between phenylalanine and isoleucine.

Natera, Inc.
Classification: Uncertain significance for Neuronal ceroid lipofuscinosis 2. Last evaluated: 2025-02-05. Review status: no assertion criteria provided. Collection method: clinical testing. Allele origin: germline. Not counted in ClinVar's aggregate classification.

NM_000391.4(TPP1):c.1066T>A (p.Phe356Ile)

Gene: TPP1 (tripeptidyl peptidase 1; minus strand). Cytogenetic location: 11p15.4.
Variant type: single nucleotide variant.
Coding change: c.1066T>A on transcript NM_000391.4 (MANE Select); coding-DNA position 1066, T replaced by A.
Protein change: p.Phe356Ile; replaces phenylalanine 356 with isoleucine.
Molecular consequence: missense variant.
Genome position (GRCh38, 1-based): chr11:6,616,324, A>T on the plus strand (T>A on the coding strand, the complement: TPP1 is on the minus strand). VCF-style: chr11-6616324-A-T. GRCh37 (hg19) VCF-style: chr11-6637555-A-T.
Other names: c.1066T>A (NM_000391.3); short protein forms F356I.
Identifiers: ClinVar variation 1440475 (VCV001440475.7), dbSNP rs1176471401, ClinGen allele CA379474036.